The following is an entry in ClinVar:

ClinVar aggregate classification (germline): Likely benign (1 of 4 stars; one submission).

Submission:

CeGaT Center for Human Genetics Tuebingen
Classification: Likely benign. Last evaluated: 2025-08-01. Review status: criteria provided, single submitter. Criteria: CeGaT Center For Human Genetics Tuebingen Variant Classification Criteria Version 2. Collection method: clinical testing. Allele origin: germline. Affected: yes. Observed: 1 variant allele.
Comment: KMT2C: PM2:Supporting, BP4, BP7

NM_170606.3(KMT2C):c.8883T>C (p.Pro2961=)

Gene: KMT2C (lysine methyltransferase 2C; minus strand). Cytogenetic location: 7q36.1.
Variant type: single nucleotide variant.
Coding change: c.8883T>C on transcript NM_170606.3 (MANE Select); coding-DNA position 8883, T replaced by C.
Protein change: p.Pro2961=; no amino-acid change (proline 2961 retained).
Molecular consequence: synonymous variant.
Genome position (GRCh38, 1-based): chr7:152,176,570, A>G on the plus strand (T>C on the coding strand, the complement: KMT2C is on the minus strand). VCF-style: chr7-152176570-A-G. GRCh37 (hg19) VCF-style: chr7-151873655-A-G.
Identifiers: ClinVar variation 4085957 (VCV004085957.8).